The following is an entry in ClinVar:

NM_003500.4(ACOX2):c.590G>A (p.Arg197Gln)

Gene: ACOX2 (acyl-CoA oxidase 2; minus strand). Cytogenetic location: 3p14.3.
Variant type: single nucleotide variant.
Coding change: c.590G>A on transcript NM_003500.4 (MANE Select); coding-DNA position 590, G replaced by A.
Protein change: p.Arg197Gln; replaces arginine 197 with glutamine.
Molecular consequence: missense variant.
Genome position (GRCh38, 1-based): chr3:58,531,806, C>T on the plus strand (G>A on the coding strand, the complement: ACOX2 is on the minus strand). VCF-style: chr3-58531806-C-T. GRCh37 (hg19) VCF-style: chr3-58517533-C-T.
Other names: c.590G>A (NM_003500.3); short protein forms R197Q.
Identifiers: ClinVar variation 2721426 (VCV002721426.4), dbSNP rs750988349, ClinGen allele CA2472340.

ClinVar aggregate classification (germline): Uncertain significance. Review status: criteria provided, multiple submitters, no conflicts (2 of 4 stars). 2 submissions from 2 submitters: Uncertain significance (2). Last evaluated 2023-12-11.

Allele frequency attached by ClinVar (database versions not stated): ExAC 0.00002; gnomAD 0.00002; TOPMed 0.00002; gnomAD exomes 0.00004.
gnomAD v4.1: 62 of 1,613,286 alleles (0.0038%); highest among the groups gnomAD compares: South Asian, 0.0066%; no homozygotes.

Submissions (2):

Ambry Genetics
Classification: Uncertain significance. Last evaluated: 2023-12-11. Review status: criteria provided, single submitter. Criteria: Ambry Variant Classification Scheme 2023. Collection method: clinical testing. Allele origin: germline.

Labcorp Genetics (formerly Invitae), Labcorp
Classification: Uncertain significance. Last evaluated: 2023-06-06. Review status: criteria provided, single submitter. Criteria: Invitae Variant Classification Sherloc (09022015). Collection method: clinical testing. Allele origin: germline.
Comment: In summary, the available evidence is currently insufficient to determine the role of this variant in disease. Therefore, it has been classified as a Variant of Uncertain Significance. Advanced modeling of protein sequence and biophysical properties (such as structural, functional, and spatial information, amino acid conservation, physicochemical variation, residue mobility, and thermodynamic stability) performed at Invitae indicates that this missense variant is not expected to disrupt ACOX2 protein function. This variant has not been reported in the literature in individuals affected with ACOX2-related conditions. This variant is present in population databases (rs750988349, gnomAD 0.01%). This sequence change replaces arginine, which is basic and polar, with glutamine, which is neutral and polar, at codon 197 of the ACOX2 protein (p.Arg197Gln).